The following is an entry in ClinVar:

ClinVar aggregate classification (germline): Benign/Likely benign. Review status: criteria provided, multiple submitters, no conflicts (2 of 4 stars). 5 submissions from 5 submitters: Benign (3); Likely benign (2). Last evaluated 2026-07-01.

Conditions:
Polydactyly, postaxial, type A1. Identifiers: MedGen C4282400, MONDO:0008266, OMIM 174200.
Greig cephalopolysyndactyly syndrome (GCPS). Also called: GLI3-Related Greig Cephalopolysyndactyly Syndrome; Greig syndrome; POLYSYNDACTYLY WITH PECULIAR SKULL SHAPE. Identifiers: Orphanet 380, MedGen C0265306, MONDO:0008287, OMIM 175700.
Pallister-Hall syndrome (PHS). Also called: HYPOTHALAMIC HAMARTOBLASTOMA, HYPOPITUITARISM, IMPERFORATE ANUS, AND POSTAXIAL POLYDACTYLY; GLI3-Related Pallister-Hall Syndrome. Identifiers: Orphanet 672, MedGen C0265220, MONDO:0007804, OMIM 146510.
Polysyndactyly 4. Also called: Polysyndactyly uncomplicated; Preaxial polydactyly 4. Identifiers: Orphanet 93338, MedGen C1868111, MONDO:0008272, OMIM 174700.

Submissions (5):

CeGaT Center for Human Genetics Tuebingen
Classification: Likely benign. Last evaluated: 2026-07-01. Review status: criteria provided, single submitter. Criteria: CeGaT Center For Human Genetics Tuebingen Variant Classification Criteria Version 2. Collection method: clinical testing. Allele origin: germline. Affected: yes. Observed: 4 variant alleles.
Comment: GLI3: BS1

Labcorp Genetics (formerly Invitae), Labcorp
Classification: Benign for Pallister-Hall syndrome; Greig cephalopolysyndactyly syndrome. Last evaluated: 2026-02-01. Review status: criteria provided, single submitter. Criteria: Invitae Variant Classification Sherloc (09022015). Collection method: clinical testing. Allele origin: germline.

Fulgent Genetics
Classification: Likely benign for Pallister-Hall syndrome; Polydactyly, postaxial, type A1; Polysyndactyly 4; Greig cephalopolysyndactyly syndrome. Last evaluated: 2021-09-27. Review status: criteria provided, single submitter. Criteria: ACMG Guidelines, 2015. Collection method: clinical testing. Allele origin: unknown.

Eurofins Ntd Llc (ga)
Classification: Benign. Last evaluated: 2016-04-28. Review status: criteria provided, single submitter. Criteria: EGL Classification Definitions 2015. Collection method: clinical testing. Allele origin: germline. Observed: 1 variant allele, 1 heterozygote.

GeneDx
Classification: Benign. Last evaluated: 2015-04-30. Review status: criteria provided, single submitter. Criteria: GeneDx Variant Classification Process June 2021. Collection method: clinical testing. Allele origin: germline. Affected: yes.

NM_000168.6(GLI3):c.3083_3084delinsTT (p.Ser1028Ile)

Gene: GLI3 (GLI family zinc finger 3; minus strand). Cytogenetic location: 7p14.1.
Variant type: Indel.
Coding change: c.3083_3084delinsTT on transcript NM_000168.6 (MANE Select); coding-DNA positions 3083 to 3084, GC replaced by TT.
Protein change: p.Ser1028Ile; replaces serine 1028 with isoleucine.
Molecular consequence: missense variant.
Genome position (GRCh38, 1-based): chr7:41,965,989-41,965,990, GC replaced by AA on the plus strand (GC replaced by TT on the coding strand, the reverse complement: GLI3 is on the minus strand). VCF-style: chr7-41965989-GC-AA. GRCh37 (hg19) VCF-style: chr7-42005587-GC-AA.
Other names: c.3083_3084delinsTT (NM_000168.5); short protein forms S1028I.
Identifiers: ClinVar variation 287768 (VCV000287768.24), dbSNP rs886043721, ClinGen allele CA10605864.